The following is an entry in ClinVar:

NM_024334.3(TMEM43):c.90C>G (p.Ser30Arg)

Gene: TMEM43 (transmembrane protein 43; plus strand). Cytogenetic location: 3p25.1.
Variant type: single nucleotide variant.
Coding change: c.90C>G on transcript NM_024334.3 (MANE Select); coding-DNA position 90, C replaced by G.
Protein change: p.Ser30Arg; replaces serine 30 with arginine.
Molecular consequence: missense variant. On other transcripts: intron variant (1).
Genome position (GRCh38, 1-based): chr3:14,129,489, C>G. VCF-style: chr3-14129489-C-G. GRCh37 (hg19) VCF-style: chr3-14170989-C-G.
Other names: c.90C>G, p.Ser30Arg (NM_001407274.1, NM_001407275.1, NM_001407276.1 and 3 more transcripts); c.13-1333C>G (NM_001407280.1); short protein forms S30R.
Identifiers: ClinVar variation 3718933 (VCV003718933.2).
Genomic context (GRCh38, chr3:14,129,489, plus strand): 5'-CCGGAGAGAACATGTCAAAGTTAAAACCAGCTCCCAGCCAGGCTTCCTGGAACGGCTGAG[C>G]GAGACCTCGGGTGGGATGTTTGTGGGGCTCATGGCCTTCCTGCTCTCCTTCTACCTAATT-3'
Protein context (NP_077310.1, residues 20-40): SSQPGFLERL[Ser30Arg]ETSGGMFVGL

ClinVar aggregate classification (germline): Uncertain significance (1 of 4 stars; one submission).

Conditions:
Arrhythmogenic right ventricular dysplasia 5. Also called: ARRHYTHMOGENIC RIGHT VENTRICULAR DYSPLASIA, FAMILIAL, 5; Arrhythmogenic Right Ventricular Dysplasia/Cardiomyopathy 5. Identifiers: MedGen C1858379, MONDO:0011459, OMIM 604400.

Submission:

Labcorp Genetics (formerly Invitae), Labcorp
Classification: Uncertain significance for Arrhythmogenic right ventricular dysplasia 5. Last evaluated: 2024-11-16. Review status: criteria provided, single submitter. Criteria: Invitae Variant Classification Sherloc (09022015). Collection method: clinical testing. Allele origin: germline.
Comment: This sequence change replaces serine, which is neutral and polar, with arginine, which is basic and polar, at codon 30 of the TMEM43 protein (p.Ser30Arg). This variant is not present in population databases (gnomAD no frequency). This variant has not been reported in the literature in individuals affected with TMEM43-related conditions. Invitae Evidence Modeling of protein sequence and biophysical properties (such as structural, functional, and spatial information, amino acid conservation, physicochemical variation, residue mobility, and thermodynamic stability) indicates that this missense variant is not expected to disrupt TMEM43 protein function with a negative predictive value of 80%. In summary, the available evidence is currently insufficient to determine the role of this variant in disease. Therefore, it has been classified as a Variant of Uncertain Significance.